The following is an entry in ClinVar:

ClinVar aggregate classification (germline): Uncertain significance (1 of 4 stars; one submission).

gnomAD v4.1: 7 of 1,614,250 alleles (0.00043%); highest among the groups gnomAD compares: Middle Eastern, 0.016%; no homozygotes.

Submission:

GeneDx
Classification: Uncertain significance. Last evaluated: 2023-02-14. Review status: criteria provided, single submitter. Criteria: GeneDx Variant Classification Process June 2021. Collection method: clinical testing. Allele origin: germline. Affected: yes.
Comment: Not observed at significant frequency in large population cohorts (gnomAD); In silico analysis supports that this missense variant does not alter protein structure/function; Has not been previously published as pathogenic or benign to our knowledge

NM_005502.4(ABCA1):c.1570A>T (p.Met524Leu)

Gene: ABCA1 (ATP binding cassette subfamily A member 1; minus strand). Cytogenetic location: 9q31.1.
Variant type: single nucleotide variant.
Coding change: c.1570A>T on transcript NM_005502.4 (MANE Select); coding-DNA position 1570, A replaced by T.
Protein change: p.Met524Leu; replaces methionine 524 with leucine.
Molecular consequence: missense variant.
Genome position (GRCh38, 1-based): chr9:104,831,767, T>A on the plus strand (A>T on the coding strand, the complement: ABCA1 is on the minus strand). VCF-style: chr9-104831767-T-A. GRCh37 (hg19) VCF-style: chr9-107594048-T-A.
Other names: short protein forms M524L.
Identifiers: ClinVar variation 2575682 (VCV002575682.1), dbSNP rs935683226, ClinGen allele CA374324977.